The following is an entry in ClinVar:

NM_014159.7(SETD2):c.746C>T (p.Ser249Phe)

Gene: SETD2 (SET domain containing 2, histone lysine methyltransferase; minus strand). Cytogenetic location: 3p21.31.
Variant type: single nucleotide variant.
Coding change: c.746C>T on transcript NM_014159.7 (MANE Select); coding-DNA position 746, C replaced by T.
Protein change: p.Ser249Phe; replaces serine 249 with phenylalanine.
Molecular consequence: missense variant. On other transcripts: non-coding transcript variant (1).
Genome position (GRCh38, 1-based): chr3:47,123,890, G>A on the plus strand (C>T on the coding strand, the complement: SETD2 is on the minus strand). VCF-style: chr3-47123890-G-A. GRCh37 (hg19) VCF-style: chr3-47165380-G-A.
Other names: c.614C>T, p.Ser205Phe (NM_001349370.3); short protein forms S205F, S249F.
Identifiers: ClinVar variation 1805034 (VCV001805034.2), dbSNP rs1162661952, ClinGen allele CA352534921.

ClinVar aggregate classification (germline): Conflicting classifications of pathogenicity. Review status: criteria provided, conflicting classifications (1 of 4 stars). 2 submissions from 2 submitters: Uncertain significance (1); Likely benign (1). Last evaluated 2022-01-05.

Conditions:
Luscan-Lumish syndrome. Identifiers: Orphanet 597738, MedGen C4085873, MONDO:0014791, OMIM 616831.

Allele frequency attached by ClinVar (database versions not stated): TOPMed 0.00002; gnomAD 0.00002; gnomAD exomes 0.00003.
gnomAD v4.1: 39 of 1,551,858 alleles (0.0025%); highest among the groups gnomAD compares: Non-Finnish European, 0.0033%; no homozygotes.

Submissions (2):

Baylor Genetics
Classification: Uncertain significance for Luscan-Lumish syndrome. Last evaluated: 2022-01-05. Review status: criteria provided, single submitter. Criteria: ACMG Guidelines, 2015. Collection method: clinical testing. Allele origin: unknown.

Victorian Clinical Genetics Services, Murdoch Childrens Research Institute
Classification: Likely benign for Luscan-Lumish syndrome. Last evaluated: 2021-05-06. Review status: criteria provided, single submitter. Criteria: ACMG Guidelines, 2015. Collection method: clinical testing. Allele origin: germline. Inheritance: Autosomal dominant inheritance.
Comment: Based on the classification scheme VCGS_Germline_v1.3.4, this variant is classified as Likely Benign. Following criteria are met: 0102 - Loss of function is a known mechanism of disease in this gene and is associated with Luscan-Lumish syndrome (MIM#616831). (I) 0107 - This gene is associated with autosomal dominant disease. (I) 0200 - Variant is predicted to result in a missense amino acid change from serine to phenylalanine. (I) 0251 - This variant is heterozygous. (I) 0302 - Variant is present in gnomAD (v3) <0.001 for a dominant condition (3 heterozygotes, 0 homozygotes). (SP) 0309 - An alternative amino acid change at the same position, p.(Ser249Pro), has been observed in gnomAD (v3) (1 heterozygote, 0 homozygotes). (I) 0502 - Missense variant with conflicting in silico predictions and uninformative conservation. (I) 0604 - Variant is not located in an established domain, motif, hotspot or informative constraint region. (I) 0705 - No comparable missense variants have previous evidence for pathogenicity. (I) 0807 - This variant has no previous evidence of pathogenicity. (I) 0905 - No published segregation evidence has been identified for this variant. (I) 1007 - No published functional evidence has been identified for this variant. (I) 1208 - Inheritance information for this variant is not currently available in this individual. (I) Legend: (SP) - Supporting pathogenic, (I) - Information, (SB) - Supporting benign